The following is an entry in ClinVar:

NM_153460.4(IL17RC):c.1009C>T (p.Pro337Ser)

Gene: IL17RC (interleukin 17 receptor C; plus strand). Cytogenetic location: 3p25.3.
Variant type: single nucleotide variant.
Coding change: c.1009C>T on transcript NM_153460.4 (MANE Select); coding-DNA position 1009, C replaced by T.
Protein change: p.Pro337Ser; replaces proline 337 with serine.
Molecular consequence: missense variant. On other transcripts: non-coding transcript variant (1).
Genome position (GRCh38, 1-based): chr3:9,928,436, C>T. VCF-style: chr3-9928436-C-T. GRCh37 (hg19) VCF-style: chr3-9970120-C-T.
Other names: c.964C>T, p.Pro322Ser (NM_001410711.1, NM_032732.6, NM_001203265.2 and 1 more transcripts); c.1222C>T, p.Pro408Ser (NM_153461.4); c.970C>T, p.Pro324Ser (NM_001367278.1); c.889C>T, p.Pro297Ser (NM_001367279.1); c.1009C>T, p.Pro337Ser (NM_001203263.2, NM_001203264.2); short protein forms P322S, P337S, P408S, P297S, P324S.
Identifiers: ClinVar variation 2867425 (VCV002867425.3), dbSNP rs762859085, ClinGen allele CA2247102.

ClinVar aggregate classification (germline): Uncertain significance (1 of 4 stars; one submission).

Conditions:
Candidiasis, familial, 9 (CANDF9). Identifiers: Orphanet 1334, MedGen C4225324, MONDO:0014642, OMIM 616445.

Allele frequency attached by ClinVar (database versions not stated): ExAC 0.00002; TOPMed 0.00002; gnomAD 0.00003.
gnomAD v4.1: 6 of 1,607,284 alleles (0.00037%); highest among the groups gnomAD compares: African/African-American, 0.008%; no homozygotes.

Submission:

Labcorp Genetics (formerly Invitae), Labcorp
Classification: Uncertain significance for Candidiasis, familial, 9. Last evaluated: 2023-10-27. Review status: criteria provided, single submitter. Criteria: Invitae Variant Classification Sherloc (09022015). Collection method: clinical testing. Allele origin: germline.
Comment: This sequence change replaces proline, which is neutral and non-polar, with serine, which is neutral and polar, at codon 408 of the IL17RC protein (p.Pro408Ser). This variant is present in population databases (rs762859085, gnomAD 0.01%). This variant has not been reported in the literature in individuals affected with IL17RC-related conditions. Algorithms developed to predict the effect of missense changes on protein structure and function output the following: SIFT: "Not Available"; PolyPhen-2: "Benign"; Align-GVGD: "Not Available". The serine amino acid residue is found in multiple mammalian species, which suggests that this missense change does not adversely affect protein function. In summary, the available evidence is currently insufficient to determine the role of this variant in disease. Therefore, it has been classified as a Variant of Uncertain Significance.